The following is an entry in ClinVar:

NM_001037333.3(CYFIP2):c.218del (p.Leu73fs)

Gene: CYFIP2 (cytoplasmic FMR1 interacting protein 2; plus strand). Cytogenetic location: 5q33.3.
Variant type: Deletion.
Coding change: c.218del on transcript NM_001037333.3 (MANE Select); coding-DNA position 218, one base deleted (T; older notation c.218delT).
Protein change: p.Leu73fs; shifts the reading frame from leucine 73.
Molecular consequence: frameshift variant. On other transcripts: intron variant (1).
Genome position (GRCh38, 1-based): chr5:157,294,793, T deleted. VCF-style (leftmost placement, unchanged base first): chr5-157294792-CT-C. GRCh37 (hg19) VCF-style: chr5-156721801-CT-C.
Other names: c.218del, p.Leu73fs (NM_001291722.2, NM_014376.4); c.208-1880del (NM_001291721.2); short protein forms L73fs.
Identifiers: ClinVar variation 4726205 (VCV004726205.1).

ClinVar aggregate classification (germline): Uncertain significance (1 of 4 stars; one submission).

Submission:

Labcorp Genetics (formerly Invitae), Labcorp
Classification: Uncertain significance. Last evaluated: 2025-08-29. Review status: criteria provided, single submitter. Criteria: Invitae Variant Classification Sherloc (09022015). Collection method: clinical testing. Allele origin: germline.
Comment: This sequence change creates a premature translational stop signal (p.Leu73Argfs*24) in the CYFIP2 gene. It is expected to result in an absent or disrupted protein product. However, the current clinical and genetic evidence is not sufficient to establish whether loss-of-function variants in CYFIP2 cause disease. This variant is not present in population databases (gnomAD no frequency). This variant has not been reported in the literature in individuals affected with CYFIP2-related conditions. In summary, the available evidence is currently insufficient to determine the role of this variant in disease. Therefore, it has been classified as a Variant of Uncertain Significance.